The following is an entry in ClinVar:

ClinVar aggregate classification (germline): Conflicting classifications of pathogenicity. Review status: criteria provided, conflicting classifications (1 of 4 stars). 6 submissions from 6 submitters: Uncertain significance (1); Benign (1); Likely benign (4). Last evaluated 2025-08-27.

Conditions:
Hereditary nonpolyposis colorectal neoplasms. Identifiers: MedGen C0009405, MeSH D003123.
Hereditary cancer-predisposing syndrome. Also called: Tumor predisposition; Neoplastic Syndromes, Hereditary; Hereditary neoplastic syndrome; Hereditary Cancer Syndrome. Identifiers: Orphanet 140162, MedGen C0027672, MeSH D009386, MONDO:0015356.
Lynch syndrome 4 (LYNCH4). Also called: Colorectal cancer, hereditary nonpolyposis, type 4; Hereditary non-polyposis colorectal cancer, type 4. Identifiers: Orphanet 144, MedGen C1838333, MONDO:0013699, OMIM 614337. Disease mechanism: loss of function.

Allele frequency attached by ClinVar (database versions not stated): gnomAD exomes below 0.00001; gnomAD 0.00001; TOPMed 0.00003.
gnomAD v4.1: 6 of 1,610,618 alleles (0.00037%); highest among the groups gnomAD compares: African/African-American, 0.0067%; no homozygotes.

Submissions (6):

Labcorp Genetics (formerly Invitae), Labcorp
Classification: Likely benign for Hereditary nonpolyposis colorectal neoplasms. Last evaluated: 2025-08-27. Review status: criteria provided, single submitter. Criteria: Invitae Variant Classification Sherloc (09022015). Collection method: clinical testing. Allele origin: germline.

Myriad Genetics, Inc.
Classification: Benign for Lynch syndrome 4. Last evaluated: 2025-01-23. Review status: criteria provided, single submitter. Criteria: Myriad Autosomal Dominant, Autosomal Recessive and X-Linked Classification Criteria (2023). Collection method: clinical testing. Allele origin: unknown.
Comment: This variant is considered benign. This variant is a silent/synonymous amino acid change and it is not expected to impact splicing.

GeneDx
Classification: Uncertain significance. Last evaluated: 2023-04-18. Review status: criteria provided, single submitter. Criteria: GeneDx Variant Classification Process June 2021. Collection method: clinical testing. Allele origin: germline. Affected: yes.
Comment: Not observed at significant frequency in large population cohorts (gnomAD); Has not been previously published as pathogenic or benign to our knowledge; In silico analysis is inconclusive as to whether the variant alters gene splicing. In the absence of RNA/functional studies, the actual effect of this sequence change is unknown.

Women's Health and Genetics/Laboratory Corporation of America, LabCorp
Classification: Likely benign. Last evaluated: 2022-09-24. Review status: criteria provided, single submitter. Criteria: LabCorp Variant Classification Summary - May 2015. Collection method: clinical testing. Allele origin: germline.

Ambry Genetics
Classification: Likely benign for Hereditary cancer-predisposing syndrome. Last evaluated: 2017-01-13. Review status: criteria provided, single submitter. Criteria: Ambry Variant Classification Scheme 2023. Collection method: clinical testing. Allele origin: germline.

Color Diagnostics, LLC DBA Color Health
Classification: Likely benign for Hereditary cancer-predisposing syndrome. Last evaluated: 2016-09-11. Review status: criteria provided, single submitter. Criteria: ACMG Guidelines, 2015. Collection method: clinical testing. Allele origin: germline.

NM_000535.7(PMS2):c.27A>C (p.Thr9=)

Gene: PMS2 (PMS1 homolog 2, mismatch repair system component; minus strand). Cytogenetic location: 7p22.1.
Variant type: single nucleotide variant.
Coding change: c.27A>C on transcript NM_000535.7 (MANE Select); coding-DNA position 27, A replaced by C.
Protein change: p.Thr9=; no amino-acid change (threonine 9 retained).
Molecular consequence: synonymous variant. On other transcripts: 5 prime UTR variant (23), non-coding transcript variant (1), intron variant (7), splice acceptor variant (15).
Genome position (GRCh38, 1-based): chr7:6,006,028, T>G on the plus strand (A>C on the coding strand, the complement: PMS2 is on the minus strand). VCF-style: chr7-6006028-T-G. GRCh37 (hg19) VCF-style: chr7-6045659-T-G.
Other names: c.-379A>C (NM_001322005.2, NM_001406891.1, NM_001406893.1 and 1 more transcripts); c.27A>C, p.Thr9= (NM_001322006.2, NM_001322014.2, NM_001406868.1 and 10 more transcripts); c.-189A>C (NM_001322007.2, NM_001406876.1, NM_001406896.1 and 2 more transcripts); c.-858A>C (NM_001322011.2); c.213A>C, p.Thr71= (NM_001406866.1); c.-458A>C (NM_001406875.1, NM_001406877.1, NM_001406878.1 and 1 more transcripts); c.-405A>C (NM_001406880.1); c.-326A>C (NM_001406888.1, NM_001406892.1, NM_001406894.1 and 3 more transcripts); and 12 more.
Identifiers: ClinVar variation 416563 (VCV000416563.23), dbSNP rs1060504842, ClinGen allele CA16612160.
Genomic context (GRCh38, chr7:6,006,028, plus strand): 5'-CCCAGAGCAAATCTGATGGACTGACTTCCGATCAATAGGTTTGATGGCCTTAGCAGGTTC[T>G]GTACTAGAGAAATCAGTTACAAGAAACAAATCAAGTATTCAGCTATATATTTTCATCCTG-3'
Protein context (NP_000526.2, residues 1-19): MERAESSS[Thr9=]EPAKAIKPID